The following is an entry in ClinVar:

ClinVar aggregate classification (germline): Uncertain significance. Review status: criteria provided, multiple submitters, no conflicts (2 of 4 stars). 2 submissions from 2 submitters: Uncertain significance (2). Last evaluated 2025-08-23.

Conditions:
Inborn genetic diseases. Identifiers: MedGen C0950123, MeSH D030342.

Allele frequency attached by ClinVar (database versions not stated): ExAC 0.00002; gnomAD exomes 0.00004 and 0.00008; TOPMed 0.00005; gnomAD 0.00006; ESP Exome Variant Server 0.00015.
gnomAD v4.1: 120 of 1,613,282 alleles (0.0074%); highest among the groups gnomAD compares: Non-Finnish European, 0.0097%; no homozygotes.

Submissions (2):

Ambry Genetics
Classification: Uncertain significance for Inborn genetic diseases. Last evaluated: 2025-08-23. Review status: criteria provided, single submitter. Criteria: Ambry Variant Classification Scheme 2023. Collection method: clinical testing. Allele origin: germline.

Labcorp Genetics (formerly Invitae), Labcorp
Classification: Uncertain significance. Last evaluated: 2025-05-12. Review status: criteria provided, single submitter. Criteria: Invitae Variant Classification Sherloc (09022015). Collection method: clinical testing. Allele origin: germline.
Comment: This sequence change replaces glutamic acid, which is acidic and polar, with glutamine, which is neutral and polar, at codon 598 of the DDX58 protein (p.Glu598Gln). This variant is present in population databases (rs149221979, gnomAD 0.01%). This variant has not been reported in the literature in individuals affected with DDX58-related conditions. ClinVar contains an entry for this variant (Variation ID: 1423796). Invitae Evidence Modeling of protein sequence and biophysical properties (such as structural, functional, and spatial information, amino acid conservation, physicochemical variation, residue mobility, and thermodynamic stability) indicates that this missense variant is not expected to disrupt DDX58 protein function with a negative predictive value of 80%. In summary, the available evidence is currently insufficient to determine the role of this variant in disease. Therefore, it has been classified as a Variant of Uncertain Significance.

NM_014314.4(RIGI):c.1792G>C (p.Glu598Gln)

Gene: RIGI (RNA sensor RIG-I; minus strand). Cytogenetic location: 9p21.1.
Variant type: single nucleotide variant.
Coding change: c.1792G>C on transcript NM_014314.4 (MANE Select); coding-DNA position 1792, G replaced by C.
Protein change: p.Glu598Gln; replaces glutamic acid 598 with glutamine.
Molecular consequence: missense variant.
Genome position (GRCh38, 1-based): chr9:32,477,114, C>G on the plus strand (G>C on the coding strand, the complement: RIGI is on the minus strand). VCF-style: chr9-32477114-C-G. GRCh37 (hg19) VCF-style: chr9-32477112-C-G.
Other names: c.1786G>C, p.Glu596Gln (NM_001385907.1); c.1792G>C, p.Glu598Gln (NM_001385909.1); c.1351G>C, p.Glu451Gln (NM_001385910.1); c.1183G>C, p.Glu395Gln (NM_001385912.1); c.1777G>C, p.Glu593Gln (NM_001385913.1); c.1348G>C, p.Glu450Gln (NM_001385914.1); c.1792G>C (NM_014314.3); short protein forms E596Q, E451Q, E593Q, E395Q, E450Q, E598Q.
Identifiers: ClinVar variation 1423796 (VCV001423796.10), dbSNP rs149221979, ClinGen allele CA5019671.